The following is an entry in ClinVar:

NM_032444.4(SLX4):c.3773C>G (p.Pro1258Arg)

Gene: SLX4 (SLX4 structure-specific endonuclease subunit; minus strand). Cytogenetic location: 16p13.3.
Variant type: single nucleotide variant.
Coding change: c.3773C>G on transcript NM_032444.4 (MANE Select); coding-DNA position 3773, C replaced by G.
Protein change: p.Pro1258Arg; replaces proline 1258 with arginine.
Molecular consequence: missense variant.
Genome position (GRCh38, 1-based): chr16:3,589,865, G>C on the plus strand (C>G on the coding strand, the complement: SLX4 is on the minus strand). VCF-style: chr16-3589865-G-C. GRCh37 (hg19) VCF-style: chr16-3639866-G-C.
Other names: short protein forms P1258R.
Identifiers: ClinVar variation 2198429 (VCV002198429.4), dbSNP rs916888522, ClinGen allele CA394519411.

ClinVar aggregate classification (germline): Uncertain significance (1 of 4 stars; one submission).

Conditions:
Fanconi anemia (FA). Also called: Fanconi's anemia. Identifiers: Orphanet 84, MedGen C0015625, MeSH D005199, MONDO:0019391.

Submission:

Labcorp Genetics (formerly Invitae), Labcorp
Classification: Uncertain significance for Fanconi anemia. Last evaluated: 2024-03-26. Review status: criteria provided, single submitter. Criteria: Invitae Variant Classification Sherloc (09022015). Collection method: clinical testing. Allele origin: germline.
Comment: This sequence change replaces proline, which is neutral and non-polar, with arginine, which is basic and polar, at codon 1258 of the SLX4 protein (p.Pro1258Arg). This variant is not present in population databases (gnomAD no frequency). This variant has not been reported in the literature in individuals affected with SLX4-related conditions. ClinVar contains an entry for this variant (Variation ID: 2198429). An algorithm developed to predict the effect of missense changes on protein structure and function (PolyPhen-2) suggests that this variant is likely to be disruptive. In summary, the available evidence is currently insufficient to determine the role of this variant in disease. Therefore, it has been classified as a Variant of Uncertain Significance.